The following is an entry in ClinVar:

NM_000059.4(BRCA2):c.52_61del (p.Arg18fs)

Gene: BRCA2 (BRCA2 DNA repair associated; plus strand). Cytogenetic location: 13q13.1.
Variant type: Deletion.
Coding change: c.52_61del on transcript NM_000059.4 (MANE Select); coding-DNA positions 52 to 61, 10 bases deleted (CGCTGCAACA; older notation c.52_61delCGCTGCAACA).
Protein change: p.Arg18fs; shifts the reading frame from arginine 18.
Molecular consequence: frameshift variant.
Genome position (GRCh38, 1-based): chr13:32,316,512-32,316,521, CGCTGCAACA deleted; deleting any 10 consecutive bases within chr13:32,316,509-32,316,521 gives the same sequence; the c. name uses the placement nearest the transcript's 3' end. VCF-style (leftmost placement, unchanged base first): chr13-32316508-GACACGCTGCA-G. GRCh37 (hg19) VCF-style: chr13-32890645-GACACGCTGCA-G.
Other names: 280del10; c.52_61delCGCTGCAACA (NM_000059.3).
Identifiers: ClinVar variation 266857 (VCV000266857.7), dbSNP rs886040574, ClinGen allele CA10589003.

ClinVar aggregate classification (germline): Pathogenic. Review status: reviewed by expert panel (3 of 4 stars). 3 submissions from 3 submitters: Pathogenic (1). 2 of the submissions do not count toward it. Last evaluated 2016-10-18.

Conditions:
Breast-ovarian cancer, familial, susceptibility to, 2 (BROVCA2). Also called: BRCA2 Hereditary Breast and Ovarian Cancer. Identifiers: Orphanet 145, MedGen C2675520, MONDO:0012933, OMIM 612555. Disease mechanism: loss of function.
Hereditary breast ovarian cancer syndrome. Also called: BRCA1- and BRCA2-Associated Hereditary Breast and Ovarian Cancer; Hereditary breast and ovarian cancer; Breast and ovarian cancer; Hereditary breast and/or ovarian cancer syndrome; Hereditary breast and ovarian cancer syndrome; Hereditary breast and ovarian cancer syndrome (HBOC). Identifiers: Orphanet 145, MedGen C0677776, MeSH D061325, MONDO:0003582. Disease mechanism: loss of function.

Submissions (3):

Evidence-based Network for the Interpretation of Germline Mutant Alleles (ENIGMA)
Classification: Pathogenic for Breast-ovarian cancer, familial, susceptibility to, 2. Last evaluated: 2016-10-18. Review status: reviewed by expert panel. Criteria: ENIGMA BRCA1/2 Classification Criteria (2015). Collection method: curation. Allele origin: germline.
Comment: Variant allele predicted to encode a truncated non-functional protein.

Consortium of Investigators of Modifiers of BRCA1/2 (CIMBA), c/o University of Cambridge
Classification: Pathogenic for Breast-ovarian cancer, familial, susceptibility to, 2. Last evaluated: 2015-10-02. Review status: criteria provided, single submitter. Criteria: CIMBA Mutation Classification guidelines May 2016. Collection method: clinical testing. Allele origin: germline. Not counted in ClinVar's aggregate classification.

Research Molecular Genetics Laboratory, Women's College Hospital, University of Toronto
Classification: Pathogenic for Hereditary breast ovarian cancer syndrome. Last evaluated: 2014-01-31. Review status: no assertion criteria provided. Collection method: research. Allele origin: germline. Affected: yes. Study: The Canadian Open Genetics Repository (COGR). Not counted in ClinVar's aggregate classification.